The following is an entry in ClinVar:

ClinVar aggregate classification (germline): Uncertain significance (1 of 4 stars; one submission).

Conditions:
Bardet-Biedl syndrome (BBS). Identifiers: Orphanet 110, MedGen C0752166, MONDO:0015229.

Submission:

Labcorp Genetics (formerly Invitae), Labcorp
Classification: Uncertain significance for Bardet-Biedl syndrome. Last evaluated: 2020-10-26. Review status: criteria provided, single submitter. Criteria: Invitae Variant Classification Sherloc (09022015). Collection method: clinical testing. Allele origin: germline.
Comment: In summary, the available evidence is currently insufficient to determine the role of this variant in disease. Therefore, it has been classified as a Variant of Uncertain Significance. Algorithms developed to predict the effect of missense changes on protein structure and function are either unavailable or do not agree on the potential impact of this missense change (SIFT: "Deleterious"; PolyPhen-2: "Possibly Damaging"; Align-GVGD: "Class C15"). This variant has not been reported in the literature in individuals with TRIM32-related conditions. This variant is not present in population databases (ExAC no frequency). This sequence change replaces leucine with phenylalanine at codon 228 of the TRIM32 protein (p.Leu228Phe). The leucine residue is highly conserved and there is a small physicochemical difference between leucine and phenylalanine.

NM_012210.4(TRIM32):c.682C>T (p.Leu228Phe)

Genes: ASTN2 (astrotactin 2; minus strand), TRIM32 (tripartite motif containing 32; plus strand). Cytogenetic location: 9q33.1.
Variant type: single nucleotide variant.
Coding change: c.682C>T on transcript NM_012210.4 (MANE Select); coding-DNA position 682, C replaced by T.
Protein change: p.Leu228Phe; replaces leucine 228 with phenylalanine.
Molecular consequence: missense variant. On other transcripts: intron variant (3).
Genome position (GRCh38, 1-based): chr9:116,698,424, C>T. VCF-style: chr9-116698424-C-T. GRCh37 (hg19) VCF-style: chr9-119460703-C-T.
Other names: c.682C>T, p.Leu228Phe (NM_001099679.2, NM_001379048.1, NM_001379049.1 and 1 more transcripts); c.2653+27347G>A (NM_014010.5); c.2794+27347G>A (NM_001365069.1); c.2806+27347G>A (NM_001365068.1); short protein forms L228F.
Identifiers: ClinVar variation 1013943 (VCV001013943.7), dbSNP rs1860993761, ClinGen allele CA374649428.